The following is an entry in ClinVar:

NM_152327.5(AK7):c.1274T>C (p.Val425Ala)

Gene: AK7 (adenylate kinase 7; plus strand). Cytogenetic location: 14q32.2.
Variant type: single nucleotide variant.
Coding change: c.1274T>C on transcript NM_152327.5 (MANE Select); coding-DNA position 1274, T replaced by C.
Protein change: p.Val425Ala; replaces valine 425 with alanine.
Molecular consequence: missense variant.
Genome position (GRCh38, 1-based): chr14:96,458,129, T>C. VCF-style: chr14-96458129-T-C. GRCh37 (hg19) VCF-style: chr14-96924466-T-C.
Other names: c.1274T>C, p.Val425Ala (NM_001350888.2, NM_001350890.2, NM_001350892.2); c.1196T>C, p.Val399Ala (NM_001350891.2); short protein forms V425A, V399A.
Identifiers: ClinVar variation 4728418 (VCV004728418.1).
Genomic context (GRCh38, chr14:96,458,129, plus strand): 5'-CCTGTGGTATGCAGGAGGCGATTGTTGCCCCTAACGATGTAGGGGAAGGAGAAGAAGAAG[T>C]CGAAGAGGAAGAGGAGGAGGAGAATGTGGAAGATGCACAGGAGCTCCTAGATGGCATCAA-3'
Protein context (NP_689540.2, residues 415-435): PNDVGEGEEE[Val425Ala]EEEEEEENVE

ClinVar aggregate classification (germline): Uncertain significance (1 of 4 stars; one submission).

Submission:

Labcorp Genetics (formerly Invitae), Labcorp
Classification: Uncertain significance. Last evaluated: 2025-10-04. Review status: criteria provided, single submitter. Criteria: Invitae Variant Classification Sherloc (09022015). Collection method: clinical testing. Allele origin: germline.
Comment: This sequence change replaces valine, which is neutral and non-polar, with alanine, which is neutral and non-polar, at codon 425 of the AK7 protein (p.Val425Ala). This variant is not present in population databases (gnomAD no frequency). This variant has not been reported in the literature in individuals affected with AK7-related conditions. An algorithm developed to predict the effect of missense changes on protein structure and function (PolyPhen-2) suggests that this variant is likely to be tolerated. In summary, the available evidence is currently insufficient to determine the role of this variant in disease. Therefore, it has been classified as a Variant of Uncertain Significance.